The following is an entry in ClinVar:

ClinVar aggregate classification (germline): Uncertain significance (1 of 4 stars; one submission).

Conditions:
Aortic valve disease 2 (AOVD2). Identifiers: MedGen C3542024, MONDO:0013902, OMIM 614823.

Allele frequency attached by ClinVar (database versions not stated): gnomAD 0.00001; TOPMed 0.00002; gnomAD exomes below 0.00001.
gnomAD v4.1: 4 of 1,462,480 alleles (0.00027%); highest among the groups gnomAD compares: South Asian, 0.0014%; no homozygotes.

Submission:

Labcorp Genetics (formerly Invitae), Labcorp
Classification: Uncertain significance for Aortic valve disease 2. Last evaluated: 2025-12-01. Review status: criteria provided, single submitter. Criteria: Invitae Variant Classification Sherloc (09022015). Collection method: clinical testing. Allele origin: germline.
Comment: This sequence change replaces serine, which is neutral and polar, with arginine, which is basic and polar, at codon 38 of the SMAD6 protein (p.Ser38Arg). The frequency data for this variant in the population databases is considered unreliable, as metrics indicate poor data quality at this position in the gnomAD database. This variant has not been reported in the literature in individuals affected with SMAD6-related conditions. ClinVar contains an entry for this variant (Variation ID: 2968227). An algorithm developed to predict the effect of missense changes on protein structure and function (PolyPhen-2) suggests that this variant is likely to be tolerated. In summary, the available evidence is currently insufficient to determine the role of this variant in disease. Therefore, it has been classified as a Variant of Uncertain Significance.

NM_005585.5(SMAD6):c.114C>G (p.Ser38Arg)

Gene: SMAD6 (SMAD family member 6; plus strand). Cytogenetic location: 15q22.31.
Variant type: single nucleotide variant.
Coding change: c.114C>G on transcript NM_005585.5 (MANE Select); coding-DNA position 114, C replaced by G.
Protein change: p.Ser38Arg; replaces serine 38 with arginine.
Molecular consequence: missense variant. On other transcripts: non-coding transcript variant (1).
Genome position (GRCh38, 1-based): chr15:66,703,372, C>G. VCF-style: chr15-66703372-C-G. GRCh37 (hg19) VCF-style: chr15-66995710-C-G.
Other names: short protein forms S38R.
Identifiers: ClinVar variation 2968227 (VCV002968227.3), dbSNP rs1168333144, ClinGen allele CA392948564.